The following is an entry in ClinVar:

NM_001256545.2(MEGF10):c.1008C>T (p.Ser336=)

Gene: MEGF10 (multiple EGF like domains 10; plus strand). Cytogenetic location: 5q23.2.
Variant type: single nucleotide variant.
Coding change: c.1008C>T on transcript NM_001256545.2 (MANE Select); coding-DNA position 1008, C replaced by T.
Protein change: p.Ser336=; no amino-acid change (serine 336 retained).
Molecular consequence: synonymous variant.
Genome position (GRCh38, 1-based): chr5:127,410,479, C>T. VCF-style: chr5-127410479-C-T. GRCh37 (hg19) VCF-style: chr5-126746171-C-T.
Other names: c.1008C>T, p.Ser336= (NM_001308119.2, NM_001308121.2, NM_032446.3).
Identifiers: ClinVar variation 472731 (VCV000472731.16), dbSNP rs145815113, ClinGen allele CA3391455.
Genomic context (GRCh38, chr5:127,410,479, plus strand): 5'-TGGCGTTCTCTGTGCTGAGACCTGCCAGTGTGTCAACGGAGGGAAGTGTTACCACGTGAG[C>T]GGCGCATGCCTCTGTGAAGCAGGCTTTGCTGGCGAGCGCTGCGAAGCACGCCTGTGTCCT-3'
Protein context (NP_001243474.1, residues 326-346): CVNGGKCYHV[Ser336=]GACLCEAGFA

ClinVar aggregate classification (germline): Conflicting classifications of pathogenicity. Review status: criteria provided, conflicting classifications (1 of 4 stars). 3 submissions from 3 submitters: Uncertain significance (1); Likely benign (2). Last evaluated 2025-02-17.

Conditions:
MEGF10-related myopathy (CMYO10A). Also called: Congenital myopathy 10A, severe variant. Identifiers: Orphanet 439212, MedGen C3280679, MONDO:0013731, OMIM 614399.

Allele frequency attached by ClinVar (database versions not stated): gnomAD 0.00001 and 0.00002; ExAC 0.00002; gnomAD exomes 0.00002; TOPMed 0.00003; ESP Exome Variant Server 0.00008; 1000 Genomes Project 30x 0.00016; 1000 Genomes Project 0.00020.
gnomAD v4.1: 59 of 1,614,148 alleles (0.0037%); highest among the groups gnomAD compares: Non-Finnish European, 0.0046%; no homozygotes.

Submissions (3):

Labcorp Genetics (formerly Invitae), Labcorp
Classification: Likely benign for MEGF10-related myopathy. Last evaluated: 2025-02-17. Review status: criteria provided, single submitter. Criteria: Invitae Variant Classification Sherloc (09022015). Collection method: clinical testing. Allele origin: germline.

Illumina Laboratory Services, Illumina
Classification: Uncertain significance for MEGF10-related myopathy. Last evaluated: 2018-01-13. Review status: criteria provided, single submitter. Criteria: ICSL Variant Classification Criteria 13 December 2019. Collection method: clinical testing. Allele origin: germline.

GeneDx
Classification: Likely benign. Last evaluated: 2017-05-08. Review status: criteria provided, single submitter. Criteria: GeneDx Variant Classification (06012015). Collection method: clinical testing. Allele origin: germline. Affected: yes.
Comment: This variant is considered likely benign or benign based on one or more of the following criteria: it is a conservative change, it occurs at a poorly conserved position in the protein, it is predicted to be benign by multiple in silico algorithms, and/or has population frequency not consistent with disease.